The following is an entry in ClinVar:

ClinVar aggregate classification (germline): Uncertain significance (1 of 4 stars; one submission).

Submission:

Labcorp Genetics (formerly Invitae), Labcorp
Classification: Uncertain significance. Last evaluated: 2025-08-03. Review status: criteria provided, single submitter. Criteria: Invitae Variant Classification Sherloc (09022015). Collection method: clinical testing. Allele origin: germline.
Comment: This sequence change replaces arginine, which is basic and polar, with leucine, which is neutral and non-polar, at codon 170 of the GATA5 protein (p.Arg170Leu). This variant is not present in population databases (gnomAD no frequency). This variant has not been reported in the literature in individuals affected with GATA5-related conditions. Invitae Evidence Modeling of protein sequence and biophysical properties (such as structural, functional, and spatial information, amino acid conservation, physicochemical variation, residue mobility, and thermodynamic stability) indicates that this missense variant is expected to disrupt GATA5 protein function with a positive predictive value of 80%. In summary, the available evidence is currently insufficient to determine the role of this variant in disease. Therefore, it has been classified as a Variant of Uncertain Significance.

NM_080473.5(GATA5):c.509G>T (p.Arg170Leu)

Gene: GATA5 (GATA binding protein 5; minus strand). Cytogenetic location: 20q13.33.
Variant type: single nucleotide variant.
Coding change: c.509G>T on transcript NM_080473.5 (MANE Select); coding-DNA position 509, G replaced by T.
Protein change: p.Arg170Leu; replaces arginine 170 with leucine.
Molecular consequence: missense variant.
Genome position (GRCh38, 1-based): chr20:62,475,013, C>A on the plus strand (G>T on the coding strand, the complement: GATA5 is on the minus strand). VCF-style: chr20-62475013-C-A. GRCh37 (hg19) VCF-style: chr20-61050069-C-A.
Other names: short protein forms R170L.
Identifiers: ClinVar variation 4762928 (VCV004762928.1).